The following is an entry in ClinVar:

NM_003597.5(KLF11):c.428C>T (p.Ala143Val)

Gene: KLF11 (KLF transcription factor 11; plus strand). Cytogenetic location: 2p25.1.
Variant type: single nucleotide variant.
Coding change: c.428C>T on transcript NM_003597.5 (MANE Select); coding-DNA position 428, C replaced by T.
Protein change: p.Ala143Val; replaces alanine 143 with valine.
Molecular consequence: missense variant.
Genome position (GRCh38, 1-based): chr2:10,047,765, C>T. VCF-style: chr2-10047765-C-T. GRCh37 (hg19) VCF-style: chr2-10187892-C-T.
Other names: c.377C>T, p.Ala126Val (NM_001177716.2, NM_001177718.2); short protein forms A126V, A143V.
Identifiers: ClinVar variation 2118754 (VCV002118754.4), dbSNP rs1414685071, ClinGen allele CA345801062.

ClinVar aggregate classification (germline): Uncertain significance (1 of 4 stars; one submission).

Allele frequency attached by ClinVar (database versions not stated): gnomAD exomes below 0.00001.
gnomAD v4.1: 2 of 1,613,722 alleles (0.00012%); highest among the groups gnomAD compares: Admixed American, 0.0017%; no homozygotes.

Submission:

Labcorp Genetics (formerly Invitae), Labcorp
Classification: Uncertain significance. Last evaluated: 2022-09-27. Review status: criteria provided, single submitter. Criteria: Invitae Variant Classification Sherloc (09022015). Collection method: clinical testing. Allele origin: germline.
Comment: This sequence change replaces alanine, which is neutral and non-polar, with valine, which is neutral and non-polar, at codon 143 of the KLF11 protein (p.Ala143Val). This variant is present in population databases (no rsID available, gnomAD 0.003%). This variant has not been reported in the literature in individuals affected with KLF11-related conditions. Algorithms developed to predict the effect of missense changes on protein structure and function (SIFT, PolyPhen-2, Align-GVGD) all suggest that this variant is likely to be tolerated. In summary, the available evidence is currently insufficient to determine the role of this variant in disease. Therefore, it has been classified as a Variant of Uncertain Significance.